The following is an entry in ClinVar:

ClinVar aggregate classification (germline): not provided (0 of 4 stars; one submission).

Allele frequency attached by ClinVar (database versions not stated): gnomAD 0.00005 and 0.00007; TOPMed 0.00007; 1000 Genomes Project 30x 0.00016; 1000 Genomes Project 0.00020.

Submission:

Human Evolutionary Genetics, Institut Pasteur
No classification provided. Review status: no classification provided. Collection method: not provided. Allele origin: germline.
ClinVar note: Converted during submission from untested to not provided.

NC_000016.10:g.10876916C>T

Gene: CIITA (class II major histocompatibility complex transactivator; plus strand). Cytogenetic location: 16p13.13.
Variant type: single nucleotide variant.
Genome position: GRCh38 VCF-style: chr16-10876916-C-T. GRCh37 (hg19) VCF-style: chr16-10970773-C-T.
Identifiers: ClinVar variation 102956 (VCV000102956.2), dbSNP rs199476058, ClinGen allele CA229919.